The following is an entry in ClinVar:

NM_145290.4(ADGRA3):c.3932G>A (p.Arg1311Lys)

Gene: ADGRA3 (adhesion G protein-coupled receptor A3; minus strand). Cytogenetic location: 4p15.2.
Variant type: single nucleotide variant.
Coding change: c.3932G>A on transcript NM_145290.4 (MANE Select); coding-DNA position 3932, G replaced by A.
Protein change: p.Arg1311Lys; replaces arginine 1311 with lysine.
Molecular consequence: missense variant.
Genome position (GRCh38, 1-based): chr4:22,387,739, C>T on the plus strand (G>A on the coding strand, the complement: ADGRA3 is on the minus strand). VCF-style: chr4-22387739-C-T. GRCh37 (hg19) VCF-style: chr4-22389362-C-T.
Other names: short protein forms R1311K.
Identifiers: ClinVar variation 1024892 (VCV001024892.11), dbSNP rs543888546, ClinGen allele CA2873265.

ClinVar aggregate classification (germline): Uncertain significance. Review status: criteria provided, multiple submitters, no conflicts (2 of 4 stars). 2 submissions from 2 submitters: Uncertain significance (2). Last evaluated 2024-10-29.

Allele frequency attached by ClinVar (database versions not stated): TOPMed below 0.00001; gnomAD 0.00002 and 0.00003; gnomAD exomes 0.00002 and 0.00005; 1000 Genomes Project 30x 0.00016; 1000 Genomes Project 0.00020; ExAC 0.00004.

Submissions (2):

Labcorp Genetics (formerly Invitae), Labcorp
Classification: Uncertain significance. Last evaluated: 2024-10-29. Review status: criteria provided, single submitter. Criteria: Invitae Variant Classification Sherloc (09022015). Collection method: clinical testing. Allele origin: germline.
Comment: This sequence change replaces arginine, which is basic and polar, with lysine, which is basic and polar, at codon 1311 of the ADGRA3 protein (p.Arg1311Lys). This variant is present in population databases (rs543888546, gnomAD 0.04%). This variant has not been reported in the literature in individuals affected with ADGRA3-related conditions. ClinVar contains an entry for this variant (Variation ID: 1024892). An algorithm developed to predict the effect of missense changes on protein structure and function (PolyPhen-2) suggests that this variant is likely to be tolerated. In summary, the available evidence is currently insufficient to determine the role of this variant in disease. Therefore, it has been classified as a Variant of Uncertain Significance.

Breakthrough Genomics
Classification: Uncertain significance. Review status: criteria provided, single submitter. Criteria: ACMG Guidelines, 2015. Collection method: not provided. Allele origin: germline. Inheritance: Unknown mechanism. Affected: yes.